The following is an entry in ClinVar:

NM_016239.4(MYO15A):c.9997C>G (p.Arg3333Gly)

Gene: MYO15A (myosin XVA; plus strand). Cytogenetic location: 17p11.2.
Variant type: single nucleotide variant.
Coding change: c.9997C>G on transcript NM_016239.4 (MANE Select); coding-DNA position 9997, C replaced by G.
Protein change: p.Arg3333Gly; replaces arginine 3333 with glycine.
Molecular consequence: missense variant.
Genome position (GRCh38, 1-based): chr17:18,167,638, C>G. VCF-style: chr17-18167638-C-G. GRCh37 (hg19) VCF-style: chr17-18070952-C-G.
Other names: short protein forms R3333G.
Identifiers: ClinVar variation 517325 (VCV000517325.4), dbSNP rs765670344, ClinGen allele CA8425769.

ClinVar aggregate classification (germline): Uncertain significance (1 of 4 stars; one submission).

Allele frequency attached by ClinVar (database versions not stated): 1000 Genomes Project 30x 0.00016.
gnomAD v4.1: 10 of 1,604,072 alleles (0.00062%); highest among the groups gnomAD compares: South Asian, 0.0099%; no homozygotes.

Submission:

Laboratory for Molecular Medicine, Mass General Brigham Personalized Medicine
Classification: Uncertain significance. Last evaluated: 2017-03-20. Review status: criteria provided, single submitter. Criteria: LMM Criteria. Collection method: clinical testing. Allele origin: germline. Observed: 1 variant allele.
Comment: Variant classified as Uncertain Significance - Favor Benign. The p.Arg3333Gly va riant in MYO15A has not been previously reported in individuals with hearing los s, but has been identified in 5/16458 South Asian chromosomes by the Exome Aggre gation Consortium (ExAC; dbSNP rs765670344). Arg inine (Arg) at position 3333 is not conserved in mammals or evolutionarily dista nt species, raising the possibility/supporting that a change at this position ma y be tolerated. In summary, while the clinical significance of the p.Arg3333Gly variant is uncertain, these data suggest that it is more likely to be benign.